The following is an entry in ClinVar:

ClinVar aggregate classification (germline): Conflicting classifications of pathogenicity. Review status: criteria provided, conflicting classifications (1 of 4 stars). 6 submissions from 6 submitters: Uncertain significance (1); Benign (3); Likely benign (2). Last evaluated 2026-01-28.

Conditions:
Inborn genetic diseases. Identifiers: MedGen C0950123, MeSH D030342.
Nicolaides-Baraitser syndrome (NCBRS). Also called: SMARCA2-Related Nicolaides-Baraitser Syndrome; Intellectual disability-sparse hair-brachydactyly syndrome. Identifiers: Orphanet 3051, MedGen C1303073, MONDO:0011053, OMIM 601358.

Allele frequency attached by ClinVar (database versions not stated): gnomAD 0.00006 and 0.00007; TOPMed 0.00006; gnomAD exomes 0.00008 and 0.00014; ExAC 0.00011; ESP Exome Variant Server 0.00015.
gnomAD v4.1: 149 of 1,614,072 alleles (0.0092%); highest among the groups gnomAD compares: East Asian, 0.047%; no homozygotes.

Submissions (6):

Labcorp Genetics (formerly Invitae), Labcorp
Classification: Benign. Last evaluated: 2026-01-28. Review status: criteria provided, single submitter. Criteria: Invitae Variant Classification Sherloc (09022015). Collection method: clinical testing. Allele origin: germline.

CeGaT Center for Human Genetics Tuebingen
Classification: Likely benign. Last evaluated: 2023-05-01. Review status: criteria provided, single submitter. Criteria: CeGaT Center For Human Genetics Tuebingen Variant Classification Criteria Version 2. Collection method: clinical testing. Allele origin: germline. Affected: yes. Observed: 2 variant alleles.
Comment: SMARCA2: BP4, BP7

GeneDx
Classification: Benign. Last evaluated: 2021-05-13. Review status: criteria provided, single submitter. Criteria: GeneDx Variant Classification Process June 2021. Collection method: clinical testing. Allele origin: germline. Affected: yes.

Ambry Genetics
Classification: Likely benign for Inborn genetic diseases. Last evaluated: 2019-11-11. Review status: criteria provided, single submitter. Criteria: Ambry Variant Classification Scheme 2023. Collection method: clinical testing. Allele origin: germline.

Illumina Laboratory Services, Illumina
Classification: Benign for Nicolaides-Baraitser syndrome. Last evaluated: 2018-01-13. Review status: criteria provided, single submitter. Criteria: ICSL Variant Classification Criteria 13 December 2019. Collection method: clinical testing. Allele origin: germline.
Comment: This variant was observed in the ICSL laboratory as part of a predisposition screen in an ostensibly healthy population. It had not been previously curated by ICSL or reported in the Human Gene Mutation Database (HGMD: prior to June 1st, 2018), and was therefore a candidate for classification through an automated scoring system. Utilizing variant allele frequency, disease prevalence and penetrance estimates, and inheritance mode, an automated score was calculated to assess if this variant is too frequent to cause the disease. Based on the score and internal cut-off values, a variant classified as benign is not then subjected to further curation. The score for this variant resulted in a classification of benign for this disease.

Genetic Services Laboratory, University of Chicago
Classification: Uncertain significance. Last evaluated: 2014-10-24. Review status: criteria provided, single submitter. Criteria: ACMG Guidelines, 2015. Collection method: clinical testing. Allele origin: germline.

NM_003070.5(SMARCA2):c.1854C>T (p.Asp618=)

Gene: SMARCA2 (SWI/SNF related BAF chromatin remodeling complex subunit ATPase 2; plus strand). Cytogenetic location: 9p24.3.
Variant type: single nucleotide variant.
Coding change: c.1854C>T on transcript NM_003070.5 (MANE Select); coding-DNA position 1854, C replaced by T.
Protein change: p.Asp618=; no amino-acid change (aspartic acid 618 retained).
Molecular consequence: synonymous variant.
Genome position (GRCh38, 1-based): chr9:2,073,319, C>T. VCF-style: chr9-2073319-C-T. GRCh37 (hg19) VCF-style: chr9-2073319-C-T.
Other names: c.1854C>T, p.Asp618= (NM_001289396.2, NM_001289397.2, NM_139045.4).
Identifiers: ClinVar variation 212224 (VCV000212224.41), dbSNP rs140464170, ClinGen allele CA207554.